The following is an entry in ClinVar:

NM_002087.4(GRN):c.1316C>G (p.Pro439Arg)

Gene: GRN (granulin precursor; plus strand). Cytogenetic location: 17q21.31.
Variant type: single nucleotide variant.
Coding change: c.1316C>G on transcript NM_002087.4 (MANE Select); coding-DNA position 1316, C replaced by G.
Protein change: p.Pro439Arg; replaces proline 439 with arginine.
Molecular consequence: missense variant.
Genome position (GRCh38, 1-based): chr17:44,352,151, C>G. VCF-style: chr17-44352151-C-G. GRCh37 (hg19) VCF-style: chr17-42429519-C-G.
Other names: short protein forms P439R.
Identifiers: ClinVar variation 2199836 (VCV002199836.1), dbSNP rs149555221, ClinGen allele CA8602168.

ClinVar aggregate classification (germline): Uncertain significance (1 of 4 stars; one submission).

Conditions:
GRN-related frontotemporal lobar degeneration with Tdp43 inclusions (FTD2). Also called: DEMENTIA, HEREDITARY DYSPHASIC DISINHIBITION; FRONTOTEMPORAL LOBAR DEGENERATION WITH UBIQUITIN-POSITIVE INCLUSIONS; FTLD-TDP, GRN-RELATED; GRN Frontotemporal Dementia; FRONTOTEMPORAL DEMENTIA WITH TDP43 INCLUSIONS, GRN-RELATED. Identifiers: Orphanet 100070, Orphanet 282, MedGen C1843792, MONDO:0011842, OMIM 607485. Disease mechanism: loss of function.
Neuronal ceroid lipofuscinosis 11. Also called: GRN-Related Neuronal Ceroid-Lipofuscinosis. Identifiers: Orphanet 314629, Orphanet 79262, MedGen C3539123, MONDO:0013866, OMIM 614706.

Allele frequency attached by ClinVar (database versions not stated): gnomAD exomes below 0.00001; ExAC 0.00002; ESP Exome Variant Server 0.00008.
gnomAD v4.1: 4 of 1,613,744 alleles (0.00025%); highest among the groups gnomAD compares: African/African-American, 0.0053%; no homozygotes.

Submission:

Labcorp Genetics (formerly Invitae), Labcorp
Classification: Uncertain significance for Neuronal ceroid lipofuscinosis 11; GRN-related frontotemporal lobar degeneration with Tdp43 inclusions. Last evaluated: 2022-08-24. Review status: criteria provided, single submitter. Criteria: Invitae Variant Classification Sherloc (09022015). Collection method: clinical testing. Allele origin: germline.
Comment: This sequence change replaces proline, which is neutral and non-polar, with arginine, which is basic and polar, at codon 439 of the GRN protein (p.Pro439Arg). The frequency data for this variant in the population databases is considered unreliable, as metrics indicate poor data quality at this position in the gnomAD database. This variant has not been reported in the literature in individuals affected with GRN-related conditions. Algorithms developed to predict the effect of missense changes on protein structure and function output the following: SIFT: "Tolerated"; PolyPhen-2: "Benign"; Align-GVGD: "Class C0". The arginine amino acid residue is found in multiple mammalian species, which suggests that this missense change does not adversely affect protein function. In summary, the available evidence is currently insufficient to determine the role of this variant in disease. Therefore, it has been classified as a Variant of Uncertain Significance.